The following is an entry in ClinVar:

ClinVar aggregate classification (germline): Uncertain significance (1 of 4 stars; one submission).

Conditions:
Cardiovascular phenotype. Identifiers: MedGen CN230736.

gnomAD v4.1: 1 of 1,598,834 alleles (0.000063%); highest among the groups gnomAD compares: Non-Finnish European, 0.000085%; no homozygotes.

Submission:

Ambry Genetics
Classification: Uncertain significance for Cardiovascular phenotype. Last evaluated: 2024-03-15. Review status: criteria provided, single submitter. Criteria: Ambry Variant Classification Scheme 2023. Collection method: clinical testing. Allele origin: germline.
Comment: The p.G172S variant (also known as c.514G>A), located in coding exon 4 of the FKBP14 gene, results from a G to A substitution at nucleotide position 514. The glycine at codon 172 is replaced by serine, an amino acid with similar properties. This amino acid position is conserved. In addition, the in silico prediction for this alteration is inconclusive. Based on the available evidence, the clinical significance of this alteration remains unclear.

NM_017946.4(FKBP14):c.514G>A (p.Gly172Ser)

Genes: FKBP14 (FKBP prolyl isomerase 14; minus strand), FKBP14-AS1 (FKBP14 antisense RNA 1; plus strand). Cytogenetic location: 7p14.3.
Variant type: single nucleotide variant.
Coding change: c.514G>A on transcript NM_017946.4 (MANE Select); coding-DNA position 514, G replaced by A.
Protein change: p.Gly172Ser; replaces glycine 172 with serine.
Molecular consequence: missense variant. On other transcripts: non-coding transcript variant (2).
Genome position (GRCh38, 1-based): chr7:30,014,857, C>T on the plus strand (G>A on the coding strand, the complement: FKBP14 is on the minus strand). VCF-style: chr7-30014857-C-T. GRCh37 (hg19) VCF-style: chr7-30054473-C-T.
Other names: short protein forms G172S.
Identifiers: ClinVar variation 3278934 (VCV003278934.1).